The following is an entry in ClinVar:

ClinVar aggregate classification (germline): Likely pathogenic (1 of 4 stars; one submission).

Submission:

Labcorp Genetics (formerly Invitae), Labcorp
Classification: Likely pathogenic. Last evaluated: 2017-01-06. Review status: criteria provided, single submitter. Criteria: Invitae Variant Classification Sherloc (09022015). Collection method: clinical testing. Allele origin: germline.
Comment: In summary, this variant is a novel in-frame change observed de novo in an affected individual, for these reasons it has been classified as likely pathogenic. Experimental studies and prediction algorithms are not available for this variant, and the functional significance of the deleted amino acids is currently unknown. This variant is not present in population databases (ExAC no frequency) and has not been reported in the literature in individuals with a NSD1-related disease. This sequence change deletes 6 nucleotides and inserts 6 from exon 15 of the NSD1 mRNA (c.5276_5281delinsCTGTCC). This leads to the deletion of 3 amino acid residues and the insertion of 3 amino acid residues in the NSD1 protein (p.Ile1759_Trp1761delinsThrValArg) but otherwise preserves the integrity of the reading frame.

NM_022455.5(NSD1):c.5276_5281delinsCTGTCC (p.Ile1759_Trp1761delinsThrValArg)

Gene: NSD1 (nuclear receptor binding SET domain protein 1; plus strand). Cytogenetic location: 5q35.3.
Variant type: Indel.
Coding change: c.5276_5281delinsCTGTCC on transcript NM_022455.5 (MANE Select); coding-DNA positions 5276 to 5281, TTGTCT replaced by CTGTCC.
Protein change: p.Ile1759_Trp1761delinsThrValArg.
Molecular consequence: missense variant.
Genome position (GRCh38, 1-based): chr5:177,267,691-177,267,696, TTGTCT replaced by CTGTCC. VCF-style: chr5-177267691-TTGTCT-CTGTCC. GRCh37 (hg19) VCF-style: chr5-176694692-TTGTCT-CTGTCC.
Other names: c.4403_4408delTTGTCTinsCTGTCC, p.Ile1468_Trp1470delinsThrValArg (NM_001365684.2, NM_001409308.1, NM_001409309.1 and 1 more transcripts); c.5276_5281delTTGTCTinsCTGTCC, p.Ile1759_Trp1761delinsThrValArg (NM_001409301.1, NM_001409302.1, NM_001409303.1); c.4856_4861delTTGTCTinsCTGTCC, p.Ile1619_Trp1621delinsThrValArg (NM_001409304.1); c.4523_4528delTTGTCTinsCTGTCC, p.Ile1508_Trp1510delinsThrValArg (NM_001409305.1); c.4514_4519delTTGTCTinsCTGTCC, p.Ile1505_Trp1507delinsThrValArg (NM_001409306.1, NM_001409307.1).
Identifiers: ClinVar variation 3680174 (VCV003680174.2).